The following is an entry in ClinVar:

NM_025114.4(CEP290):c.6116A>G (p.Asp2039Gly)

Gene: CEP290 (centrosomal protein 290; minus strand). Cytogenetic location: 12q21.32.
Variant type: single nucleotide variant.
Coding change: c.6116A>G on transcript NM_025114.4 (MANE Select); coding-DNA position 6116, A replaced by G.
Protein change: p.Asp2039Gly; replaces aspartic acid 2039 with glycine.
Molecular consequence: missense variant.
Genome position (GRCh38, 1-based): chr12:88,068,541, T>C on the plus strand (A>G on the coding strand, the complement: CEP290 is on the minus strand). VCF-style: chr12-88068541-T-C. GRCh37 (hg19) VCF-style: chr12-88462318-T-C.
Other names: short protein forms D2039G.
Identifiers: ClinVar variation 283803 (VCV000283803.54), dbSNP rs192259143, ClinGen allele CA6711573.

ClinVar aggregate classification (germline): Uncertain significance. Review status: criteria provided, multiple submitters, no conflicts (2 of 4 stars). 21 submissions from 17 submitters: Uncertain significance (17). 4 of the submissions do not count toward it. Last evaluated 2026-08-27.

Conditions:
CEP290-related disorder. Also called: CEP290-related disorders; CEP290-related condition. Identifiers: MedGen CN239314.
Inborn genetic diseases. Identifiers: MedGen C0950123, MeSH D030342.
Nephronophthisis. Also called: Juvenile Nephronophthisis. Identifiers: Orphanet 655, MedGen C0687120, MONDO:0019005, HP:0000090.
Meckel-Gruber syndrome. Also called: DYSENCEPHALIA SPLANCHNOCYSTICA; GRUBER SYNDROME; Dysencephalia splachnocystica. Identifiers: Orphanet 564, MedGen C0265215, MONDO:0018921.
Joubert syndrome. Also called: Familial aplasia of the vermis; JOUBERT-BOLTSHAUSER SYNDROME. Identifiers: Orphanet 475, MedGen C5979921, MONDO:0018772.
Joubert syndrome 5 (JBTS5). Identifiers: Orphanet 2318, MedGen C1857780, MONDO:0012432, OMIM 610188.
Senior-Loken syndrome 6 (SLSN6). Identifiers: Orphanet 3156, MedGen C1857779, MONDO:0012433, OMIM 610189.
Meckel syndrome, type 4 (MKS4). Also called: MECKEL-GRUBER SYNDROME, TYPE 4. Identifiers: Orphanet 564, MedGen C1970161, MONDO:0012626, OMIM 611134.
Bardet-Biedl syndrome 14 (BBS14). Identifiers: Orphanet 110, MedGen C2673874, MONDO:0014442, OMIM 615991.
Leber congenital amaurosis 10 (LCA10). Identifiers: Orphanet 65, MedGen C1857821, MONDO:0012723, OMIM 611755.
Retinal dystrophy. Also called: Inherited retinal dystrophy. Identifiers: Orphanet 71862, MedGen C0854723, MeSH D058499, MONDO:0019118, HP:0000556.
Leber congenital amaurosis (LCA). Also called: Leber's amaurosis. Identifiers: Orphanet 65, MedGen C0339527, MeSH D057130, MONDO:0018998.
Intellectual disability. Also called: intellectual disabilities; Intellectual functioning disability; Intellectual developmental disorder. Identifiers: MedGen C3714756, MeSH D008607, MONDO:0001071, HP:0001249.

Allele frequency attached by ClinVar (database versions not stated): 1000 Genomes Project 0.00020; 1000 Genomes Project 30x 0.00031; ExAC 0.00032; gnomAD 0.00032; TOPMed 0.00037; ESP Exome Variant Server 0.00060.
gnomAD v4.1: 1,004 of 1,561,984 alleles (0.064%); highest among the groups gnomAD compares: Non-Finnish European, 0.082%; no homozygotes.

Submissions 1 to 14 of 24:

Ambry Genetics
Classification: Uncertain significance for Inborn genetic diseases. Last evaluated: 2026-08-27. Review status: criteria provided, single submitter. Criteria: Ambry Variant Classification Scheme 2023. Collection method: clinical testing. Allele origin: germline.
Comment: The c.6116A>G (p.D2039G) alteration is located in exon 44 (coding exon 43) of the CEP290 gene. This alteration results from a A to G substitution at nucleotide position 6116, causing the aspartic acid (D) at amino acid position 2039 to be replaced by a glycine (G). Based on data from gnomAD, the G allele has an overall frequency of 0.029% (73/251020) total alleles studied. The highest observed frequency was 0.052% (62/118660) of European (non-Finnish) alleles. Based on insufficient or conflicting evidence, the clinical significance of this alteration remains unclear.

CeGaT Center for Human Genetics Tuebingen
Classification: Uncertain significance. Last evaluated: 2026-08-01. Review status: criteria provided, single submitter. Criteria: CeGaT Center For Human Genetics Tuebingen Variant Classification Criteria Version 2. Collection method: clinical testing. Allele origin: germline. Affected: yes. Observed: 3 variant alleles.
Comment: CEP290: PM2, BP4

Women's Health and Genetics/Laboratory Corporation of America, LabCorp
Classification: Uncertain significance. Last evaluated: 2026-06-08. Review status: criteria provided, single submitter. Criteria: LabCorp Variant Classification Summary - May 2015. Collection method: clinical testing. Allele origin: germline.
Comment: Variant summary: CEP290 c.6116A>G (p.Asp2039Gly) results in a non-conservative amino acid change in the encoded protein sequence. Algorithms developed to predict the effect of missense changes on protein structure and function are either unavailable or do not agree on the potential impact of this missense change. The variant allele was found at a frequency of 0.00031 in 219698 control chromosomes. This frequency is not significantly higher than estimated for disease-causing variants in CEP290, allowing no conclusion about variant significance. c.6116A>G has been observed in individual(s) affected with CEP290-related conditions (Stanwick_2019, Takahashi_2019). These report(s) do not provide unequivocal conclusions about association of the variant with disease. To our knowledge, no experimental evidence demonstrating an impact on protein function has been reported. The following publications have been ascertained in the context of this evaluation (PMID: 31193260, 31370859). ClinVar contains an entry for this variant (Variation ID: 283803). Based on the evidence outlined above, the variant was classified as uncertain significance.

PreventionGenetics, part of Exact Sciences
Classification: Uncertain significance for CEP290-related condition. Last evaluated: 2026-06-03. Review status: criteria provided, single submitter. Criteria: ACMG Guidelines, 2015. Collection method: clinical testing. Allele origin: germline.
Comment: The CEP290 c.6116A>G variant is predicted to result in the amino acid substitution p.Asp2039Gly. This variant was previously reported, along with a second variant in the same gene, in an individual who presented with suspected autosomal recessive retinitis pigmentosa (Takahashi et al. 2019. PubMed ID: 31370859). This variant was also reported in the heterozygous state in an individual who presented with suspected autoimmune retinopathy (Stanwyck et al. 2019. PubMed ID: 31193260). However, this variant is reported in 0.052% of alleles in individuals of European (Non-Finnish) descent in gnomAD, which may be too frequent to be a primary cause of disease. Although we suspect that this variant may be benign, at this time, the clinical significance of this variant is uncertain due to the absence of conclusive functional and genetic evidence.

Dasa
Classification: Uncertain significance. Last evaluated: 2025-10-11. Review status: criteria provided, single submitter. Criteria: DASA Assertion Criteria. Collection method: clinical testing. Allele origin: germline.
Comment: NM_025114.4(CEP290):c.6116A>G (p.Asp2039Gly) is a missense variant that results in the substitution of aspartic acid with glycine. This variant has been recurrently observed in individuals with CEP290-related disorders (PMID: 31370859; PMID: 31193260). Also, this variant is rare in population databases. Computational prediction algorithms are consistent with a benign effect. The currently available literature and clinical evidence are not sufficient to establish a definitive association between this variant and the reported condition. Therefore, this variant is classified as a variant of uncertain significance.

GeneDx
Classification: Uncertain significance. Last evaluated: 2025-09-15. Review status: criteria provided, single submitter. Criteria: GeneDx Variant Classification Process June 2021. Collection method: clinical testing. Allele origin: germline. Affected: yes.
Comment: In silico analysis suggests that this missense variant does not alter protein structure/function; This variant is associated with the following publications: (PMID: 31193260, 34426522, 31370859)

Blueprint Genetics
Classification: Uncertain significance. Last evaluated: 2024-09-13. Review status: criteria provided, single submitter. Criteria: ACMG Guidelines, 2015. Collection method: clinical testing. Allele origin: germline.

Fulgent Genetics
Classification: Uncertain significance for Joubert syndrome 5; Senior-Loken syndrome 6; Meckel syndrome, type 4; Leber congenital amaurosis 10; Bardet-Biedl syndrome 14. Last evaluated: 2024-01-17. Review status: criteria provided, single submitter. Criteria: ACMG Guidelines, 2015. Collection method: clinical testing. Allele origin: germline.

Labcorp Genetics (formerly Invitae), Labcorp
Classification: Uncertain significance for Joubert syndrome; Meckel-Gruber syndrome; Nephronophthisis. Last evaluated: 2022-10-24. Review status: criteria provided, single submitter. Criteria: Invitae Variant Classification Sherloc (09022015). Collection method: clinical testing. Allele origin: germline.
Comment: This sequence change replaces aspartic acid, which is acidic and polar, with glycine, which is neutral and non-polar, at codon 2039 of the CEP290 protein (p.Asp2039Gly). This variant is present in population databases (rs192259143, gnomAD 0.05%). This variant has not been reported in the literature in individuals affected with CEP290-related conditions. ClinVar contains an entry for this variant (Variation ID: 283803). Advanced modeling of protein sequence and biophysical properties (such as structural, functional, and spatial information, amino acid conservation, physicochemical variation, residue mobility, and thermodynamic stability) performed at Invitae indicates that this missense variant is not expected to disrupt CEP290 protein function. In summary, the available evidence is currently insufficient to determine the role of this variant in disease. Therefore, it has been classified as a Variant of Uncertain Significance.

Institute of Human Genetics, Univ. Regensburg, Univ. Regensburg
Classification: Uncertain significance for Retinal dystrophy. Last evaluated: 2022-01-01. Review status: criteria provided, single submitter. Criteria: ACMG Guidelines, 2015. Collection method: clinical testing. Allele origin: germline. Affected: yes.

Genome-Nilou Lab
Classification: Uncertain significance for Joubert syndrome 5. Last evaluated: 2021-05-18. Review status: criteria provided, single submitter. Criteria: ACMG Guidelines, 2015. Collection method: clinical testing. Allele origin: germline. Affected: no.

Illumina Laboratory Services, Illumina
Classification: Uncertain significance for Leber congenital amaurosis 10. Last evaluated: 2018-01-12. Review status: criteria provided, single submitter. Criteria: ICSL Variant Classification Criteria 13 December 2019. Collection method: clinical testing. Allele origin: germline.

Illumina Laboratory Services, Illumina
Classification: Uncertain significance for Senior-Loken syndrome 6. Last evaluated: 2018-01-12. Review status: criteria provided, single submitter. Criteria: ICSL Variant Classification Criteria 13 December 2019. Collection method: clinical testing. Allele origin: germline.

Illumina Laboratory Services, Illumina
Classification: Uncertain significance for Bardet-Biedl syndrome 14. Last evaluated: 2018-01-12. Review status: criteria provided, single submitter. Criteria: ICSL Variant Classification Criteria 13 December 2019. Collection method: clinical testing. Allele origin: germline.